The following is an entry in ClinVar:

NM_194277.3(FRMD7):c.626T>G (p.Met209Arg)

Gene: FRMD7 (FERM domain containing 7; minus strand). Cytogenetic location: Xq26.2.
Variant type: single nucleotide variant.
Coding change: c.626T>G on transcript NM_194277.3 (MANE Select); coding-DNA position 626, T replaced by G.
Protein change: p.Met209Arg; replaces methionine 209 with arginine.
Molecular consequence: missense variant.
Genome position (GRCh38, 1-based): chrX:132,085,600, A>C on the plus strand (T>G on the coding strand, the complement: FRMD7 is on the minus strand). VCF-style: chrX-132085600-A-C. GRCh37 (hg19) VCF-style: chrX-131219628-A-C.
Other names: c.581T>G, p.Met194Arg (NM_001306193.2); short protein forms M194R, M209R.
Identifiers: ClinVar variation 1391907 (VCV001391907.8), dbSNP rs2124223093, ClinGen allele CA414680973.

ClinVar aggregate classification (germline): Uncertain significance (1 of 4 stars; one submission).

Submission:

Labcorp Genetics (formerly Invitae), Labcorp
Classification: Uncertain significance. Last evaluated: 2021-04-29. Review status: criteria provided, single submitter. Criteria: Invitae Variant Classification Sherloc (09022015). Collection method: clinical testing. Allele origin: germline.
Comment: This variant has not been reported in the literature in individuals with FRMD7-related conditions. This variant is not present in population databases (ExAC no frequency). This sequence change replaces methionine with arginine at codon 209 of the FRMD7 protein (p.Met209Arg). The methionine residue is highly conserved and there is a moderate physicochemical difference between methionine and arginine. Algorithms developed to predict the effect of missense changes on protein structure and function are either unavailable or do not agree on the potential impact of this missense change (SIFT: "Deleterious"; PolyPhen-2: "Probably Damaging"; Align-GVGD: "Class C0"). In summary, the available evidence is currently insufficient to determine the role of this variant in disease. Therefore, it has been classified as a Variant of Uncertain Significance. Algorithms developed to predict the effect of sequence changes on RNA splicing suggest that this variant may create or strengthen a splice site, but this prediction has not been confirmed by published transcriptional studies.